The following is an entry in ClinVar:

ClinVar aggregate classification (germline): Uncertain significance (1 of 4 stars; one submission).

Submission:

Labcorp Genetics (formerly Invitae), Labcorp
Classification: Uncertain significance. Last evaluated: 2024-08-06. Review status: criteria provided, single submitter. Criteria: Invitae Variant Classification Sherloc (09022015). Collection method: clinical testing. Allele origin: germline.
Comment: This sequence change replaces cysteine, which is neutral and slightly polar, with tryptophan, which is neutral and slightly polar, at codon 16 of the LONP1 protein (p.Cys16Trp). This variant is not present in population databases (gnomAD no frequency). This variant has not been reported in the literature in individuals affected with LONP1-related conditions. ClinVar contains an entry for this variant (Variation ID: 1924341). An algorithm developed to predict the effect of missense changes on protein structure and function (PolyPhen-2) suggests that this variant is likely to be tolerated. In summary, the available evidence is currently insufficient to determine the role of this variant in disease. Therefore, it has been classified as a Variant of Uncertain Significance.

NM_004793.4(LONP1):c.48C>G (p.Cys16Trp)

Gene: LONP1 (lon peptidase 1, mitochondrial; minus strand). Cytogenetic location: 19p13.3.
Variant type: single nucleotide variant.
Coding change: c.48C>G on transcript NM_004793.4 (MANE Select); coding-DNA position 48, C replaced by G.
Protein change: p.Cys16Trp; replaces cysteine 16 with tryptophan.
Molecular consequence: missense variant. On other transcripts: non-coding transcript variant (1), intron variant (1).
Genome position (GRCh38, 1-based): chr19:5,720,085, G>C on the plus strand (C>G on the coding strand, the complement: LONP1 is on the minus strand). VCF-style: chr19-5720085-G-C. GRCh37 (hg19) VCF-style: chr19-5720096-G-C.
Other names: c.48C>G, p.Cys16Trp (NM_001276479.2); c.-160+134C>G (NM_001276480.1); short protein forms C16W.
Identifiers: ClinVar variation 1924341 (VCV001924341.5), dbSNP rs2512444063, ClinGen allele CA403544759.